The following is an entry in ClinVar:

ClinVar aggregate classification (germline): Uncertain significance (1 of 4 stars; one submission).

Submission:

Mayo Clinic Laboratories, Mayo Clinic
Classification: Uncertain significance. Last evaluated: 2025-09-25. Review status: criteria provided, single submitter. Criteria: ACMG Guidelines, 2015. Collection method: clinical testing. Allele origin: germline. Observed: 1 variant allele.
Comment: BP4, PM2_supporting

NM_015378.4(VPS13D):c.9500C>A (p.Ala3167Glu)

Gene: VPS13D (vacuolar protein sorting 13 homolog D; plus strand). Cytogenetic location: 1p36.22.
Variant type: single nucleotide variant.
Coding change: c.9500C>A on transcript NM_015378.4 (MANE Select); coding-DNA position 9500, C replaced by A.
Protein change: p.Ala3167Glu; replaces alanine 3167 with glutamic acid.
Molecular consequence: missense variant.
Genome position (GRCh38, 1-based): chr1:12,354,042, C>A. VCF-style: chr1-12354042-C-A. GRCh37 (hg19) VCF-style: chr1-12414099-C-A.
Other names: p.Ala3167Glu; c.9425C>A, p.Ala3142Glu (NM_018156.4); short protein forms A3167E, A3142E.
Identifiers: ClinVar variation 4540731 (VCV004540731.1).